The following is an entry in ClinVar:

NM_000051.4(ATM):c.331+3A>C

Gene: ATM (ATM serine/threonine kinase; plus strand). Cytogenetic location: 11q22.3.
Variant type: single nucleotide variant.
Coding change: c.331+3A>C on transcript NM_000051.4 (MANE Select); 3 bases into the intron after coding-DNA position 331, A replaced by C.
Molecular consequence: intron variant. On other transcripts: missense variant (2).
Genome position (GRCh38, 1-based): chr11:108,229,326, A>C. VCF-style: chr11-108229326-A-C. GRCh37 (hg19) VCF-style: chr11-108100053-A-C.
Other names: c.334A>C, p.Lys112Gln (NM_001351835.2, NM_001351836.2); c.331+3A>C (NM_001351834.2); short protein forms K112Q.
Identifiers: ClinVar variation 1034853 (VCV001034853.9), dbSNP rs2078894221, ClinGen allele CA382521849.

ClinVar aggregate classification (germline): Uncertain significance. Review status: criteria provided, multiple submitters, no conflicts (2 of 4 stars). 2 submissions from 2 submitters: Uncertain significance (2). Last evaluated 2022-03-22.

Conditions:
Ataxia-telangiectasia syndrome (AT). Also called: Ataxia-telangiectasia, complementation group D; ATAXIA-TELANGIECTASIA, COMPLEMENTATION GROUP A; ATAXIA-TELANGIECTASIA, FRESNO VARIANT; Ataxia-telangiectasia; Ataxia-telangiectasia, complementation group E; LOUIS-BAR SYNDROME. Identifiers: Orphanet 100, MedGen C0004135, MONDO:0008840, OMIM 208900.
Hereditary cancer-predisposing syndrome. Also called: Neoplastic Syndromes, Hereditary; Hereditary Cancer Syndrome; Tumor predisposition; Hereditary neoplastic syndrome. Identifiers: Orphanet 140162, MedGen C0027672, MeSH D009386, MONDO:0015356.

Submissions (2):

Ambry Genetics
Classification: Uncertain significance for Hereditary cancer-predisposing syndrome. Last evaluated: 2022-03-22. Review status: criteria provided, single submitter. Criteria: Ambry Variant Classification Scheme 2023. Collection method: clinical testing. Allele origin: germline.
Comment: The c.331+3A>C intronic variant results from an A to C substitution 3 nucleotides after coding exon 3 in the ATM gene. This nucleotide position is not well conserved in available vertebrate species. Another alteration impacting the same donor site (c.331+5G>A) has been detected in multiple individuals with a clinical diagnosis of ataxia-telangiectasia (Nakamura K, et al. Hum. Mutat. 2012 Jan; 33(1):198-208, Morio T, et al. Int. J. Hematol. 2009 Nov; 90(4):455-62, Verhagen MM, et al. Neurology 2009 Aug; 73(6):430-7, Verhagen MM, et al. Hum. Mutat. 2012 Mar; 33(3):561-71). In silico splice site analysis predicts that this alteration will weaken the native splice donor site. Since supporting evidence is limited at this time, the clinical significance of this alteration remains unclear.

Labcorp Genetics (formerly Invitae), Labcorp
Classification: Uncertain significance for Ataxia-telangiectasia syndrome. Last evaluated: 2018-04-25. Review status: criteria provided, single submitter. Criteria: Invitae Variant Classification Sherloc (09022015). Collection method: clinical testing. Allele origin: germline.
Comment: In summary, the available evidence is currently insufficient to determine the role of this variant in disease. Therefore, it has been classified as a Variant of Uncertain Significance. Nucleotide substitutions within the consensus splice site are a relatively common cause of aberrant splicing (PMID: 17576681, 9536098). Algorithms developed to predict the effect of sequence changes on RNA splicing suggest that this variant may disrupt the consensus splice site, but this prediction has not been confirmed by published transcriptional studies. This variant has not been reported in the literature in individuals with ATM-related disease. This variant is not present in population databases (ExAC no frequency). This sequence change falls in intron 4 of the ATM gene. It does not directly change the encoded amino acid sequence of the ATM protein, but it affects a nucleotide within the consensus splice site of the intron.

Literature cited by the submitters: PubMed 17576681 (cited by Labcorp Genetics (formerly Invitae), Labcorp); PubMed 9536098 (cited by Labcorp Genetics (formerly Invitae), Labcorp).